The following is an entry in ClinVar:

NM_000256.3(MYBPC3):c.180G>A (p.Glu60=)

Gene: MYBPC3 (myosin binding protein C3; minus strand). Cytogenetic location: 11p11.2.
Variant type: single nucleotide variant.
Coding change: c.180G>A on transcript NM_000256.3 (MANE Select); coding-DNA position 180, G replaced by A.
Protein change: p.Glu60=; no amino-acid change (glutamic acid 60 retained).
Molecular consequence: synonymous variant.
Genome position (GRCh38, 1-based): chr11:47,351,351, C>T on the plus strand (G>A on the coding strand, the complement: MYBPC3 is on the minus strand). VCF-style: chr11-47351351-C-T. GRCh37 (hg19) VCF-style: chr11-47372902-C-T.
Identifiers: ClinVar variation 2174552 (VCV002174552.5), dbSNP rs1399076195, ClinGen allele CA474429702.

ClinVar aggregate classification (germline): Likely benign. Review status: criteria provided, multiple submitters, no conflicts (2 of 4 stars). 2 submissions from 2 submitters: Likely benign (2). Last evaluated 2024-02-05.

Conditions:
Hypertrophic cardiomyopathy. Also called: HYPERTROPHIC MYOCARDIOPATHY. Identifiers: Orphanet 217569, MedGen C0007194, MeSH D002312, MONDO:0005045, HP:0001639.

gnomAD v4.1: 1 of 1,603,134 alleles (0.000062%); no homozygotes.

Submissions (2):

All of Us Research Program, National Institutes of Health
Classification: Likely benign for Hypertrophic cardiomyopathy. Last evaluated: 2024-02-05. Review status: criteria provided, single submitter. Criteria: ACMG Guidelines, 2015. Collection method: clinical testing. Allele origin: germline. Inheritance: Autosomal dominant inheritance. Observed: 1 variant allele, 1 heterozygote.
Comment: This study involves interpretation of variants in research participants for the purpose of population health screening. Participant phenotype was not available at the time of variant classification. Additional details can be found in publication PMID: 35346344, PMCID: PMC8962531

Labcorp Genetics (formerly Invitae), Labcorp
Classification: Likely benign for Hypertrophic cardiomyopathy. Last evaluated: 2023-08-28. Review status: criteria provided, single submitter. Criteria: Invitae Variant Classification Sherloc (09022015). Collection method: clinical testing. Allele origin: germline.